The following is an entry in ClinVar:

NM_001039591.3(USP9X):c.3951T>G (p.Ile1317Met)

Gene: USP9X (ubiquitin specific peptidase 9 X-linked; plus strand). Cytogenetic location: Xp11.4.
Variant type: single nucleotide variant.
Coding change: c.3951T>G on transcript NM_001039591.3 (MANE Select); coding-DNA position 3951, T replaced by G.
Protein change: p.Ile1317Met; replaces isoleucine 1317 with methionine.
Molecular consequence: missense variant.
Genome position (GRCh38, 1-based): chrX:41,189,449, T>G. VCF-style: chrX-41189449-T-G. GRCh37 (hg19) VCF-style: chrX-41048702-T-G.
Other names: c.3951T>G, p.Ile1317Met (NM_001039590.3); c.3966T>G, p.Ile1322Met (NM_001410748.1, NM_001410749.1, NM_001437534.1); short protein forms I1317M, I1322M.
Identifiers: ClinVar variation 4536462 (VCV004536462.1).

ClinVar aggregate classification (germline): Uncertain significance (1 of 4 stars; one submission).

Submission:

GeneDx
Classification: Uncertain significance. Last evaluated: 2025-06-05. Review status: criteria provided, single submitter. Criteria: GeneDx Variant Classification Process June 2021. Collection method: clinical testing. Allele origin: germline. Affected: yes.
Comment: Not observed at significant frequency in large population cohorts (gnomAD); In silico analysis suggests that this missense variant does not alter protein structure/function; Has not been previously published as pathogenic or benign to our knowledge